The following is an entry in ClinVar:

NM_017780.4(CHD7):c.6641_6642del (p.Val2214fs)

Gene: CHD7 (chromodomain helicase DNA binding protein 7; plus strand). Cytogenetic location: 8q12.2.
Variant type: Microsatellite.
Coding change: c.6641_6642del on transcript NM_017780.4 (MANE Select); coding-DNA positions 6641 to 6642, 2 bases deleted (TG; older notation c.6641_6642delTG).
Protein change: p.Val2214fs; shifts the reading frame from valine 2214.
Molecular consequence: frameshift variant. On other transcripts: intron variant (1).
Genome position (GRCh38, 1-based): chr8:60,853,366-60,853,367, TG deleted; deleting any 2 consecutive bases within chr8:60,853,364-60,853,367 gives the same sequence; the c. name uses the placement nearest the transcript's 3' end. VCF-style (leftmost placement, unchanged base first): chr8-60853363-CTG-C. GRCh37 (hg19) VCF-style: chr8-61765922-CTG-C.
Other names: c.1717-8863_1717-8862del (NM_001316690.1); short protein forms V2214fs.
Identifiers: ClinVar variation 1069145 (VCV001069145.7), dbSNP rs2150811163, ClinGen allele CA645546298.

ClinVar aggregate classification (germline): Pathogenic (1 of 4 stars; one submission).

Conditions:
CHARGE syndrome (CHARGE). Also called: Hittner Hirsch Kreh syndrome; CHARGE ASSOCIATION--COLOBOMA, HEART ANOMALY, CHOANAL ATRESIA, RETARDATION, GENITAL AND EAR ANOMALIES; Coloboma, heart anomaly, choanal atresia, retardation, genital and ear anomalies; CHARGE association; Hall-Hittner syndrome. Identifiers: Orphanet 138, MedGen C0265354, MONDO:0008965.

Submission:

Labcorp Genetics (formerly Invitae), Labcorp
Classification: Pathogenic for CHARGE syndrome. Last evaluated: 2022-09-27. Review status: criteria provided, single submitter. Criteria: Invitae Variant Classification Sherloc (09022015). Collection method: clinical testing. Allele origin: germline.
Comment: For these reasons, this variant has been classified as Pathogenic. This variant has not been reported in the literature in individuals affected with CHD7-related conditions. This variant is not present in population databases (gnomAD no frequency). This sequence change creates a premature translational stop signal (p.Val2214Glufs*3) in the CHD7 gene. It is expected to result in an absent or disrupted protein product. Loss-of-function variants in CHD7 are known to be pathogenic (PMID: 22461308, 25077900).

Literature cited by the submitters: PubMed 22461308; PubMed 25077900.